The following is an entry in ClinVar:

NM_004380.3(CREBBP):c.6054C>T (p.Pro2018=)

Gene: CREBBP (CREB binding lysine acetyltransferase; minus strand). Cytogenetic location: 16p13.3.
Variant type: single nucleotide variant.
Coding change: c.6054C>T on transcript NM_004380.3 (MANE Select); coding-DNA position 6054, C replaced by T.
Protein change: p.Pro2018=; no amino-acid change (proline 2018 retained).
Molecular consequence: synonymous variant.
Genome position (GRCh38, 1-based): chr16:3,728,993, G>A on the plus strand (C>T on the coding strand, the complement: CREBBP is on the minus strand). VCF-style: chr16-3728993-G-A. GRCh37 (hg19) VCF-style: chr16-3778994-G-A.
Other names: c.5940C>T, p.Pro1980= (NM_001079846.1).
Identifiers: ClinVar variation 772272 (VCV000772272.13), dbSNP rs768626011, ClinGen allele CA7869191.
Genomic context (GRCh38, chr16:3,728,993, plus strand): 5'-AGGCCTGGGCAAGCCTGGCATGGGCTGCTGCTGGGGAAGGGGCGCCTGCTGCCACTGCCC[G>A]GGAGGCATGCTGGGCATGACGGGCCCGCTCACCTGGTTGGGTCGGGGCACATTCAGGCTC-3'
Protein context (NP_004371.2, residues 2008-2028): VSGPVMPSMP[Pro2018=]GQWQQAPLPQ

ClinVar aggregate classification (germline): Likely benign. Review status: criteria provided, multiple submitters, no conflicts (2 of 4 stars). 4 submissions from 4 submitters: Likely benign (4). Last evaluated 2026-08-06.

Conditions:
CREBBP-related disorder. Also called: CREBBP-related disorders; CREBBP-related condition.
Inborn genetic diseases. Identifiers: MedGen C0950123, MeSH D030342.
Rubinstein-Taybi syndrome (RSTS). Identifiers: Orphanet 783, MedGen C0035934, MONDO:0019188.

Allele frequency attached by ClinVar (database versions not stated): gnomAD 0.00001; gnomAD exomes 0.00002; ExAC 0.00004.
gnomAD v4.1: 23 of 1,594,890 alleles (0.0014%); highest among the groups gnomAD compares: Admixed American, 0.0051%; no homozygotes.

Submissions (4):

PreventionGenetics, part of Exact Sciences
Classification: Likely benign for CREBBP-related condition. Last evaluated: 2026-08-06. Review status: criteria provided, single submitter. Criteria: ACMG Guidelines, 2015. Collection method: clinical testing. Allele origin: germline.
Comment: This variant is classified as likely benign based on ACMG/AMP sequence variant interpretation guidelines (Richards et al. 2015 PMID: 25741868, with internal and published modifications).

Labcorp Genetics (formerly Invitae), Labcorp
Classification: Likely benign for Rubinstein-Taybi syndrome. Last evaluated: 2025-06-27. Review status: criteria provided, single submitter. Criteria: Invitae Variant Classification Sherloc (09022015). Collection method: clinical testing. Allele origin: germline.

GeneDx
Classification: Likely benign. Last evaluated: 2020-11-17. Review status: criteria provided, single submitter. Criteria: GeneDx Variant Classification Process June 2021. Collection method: clinical testing. Allele origin: germline. Affected: yes.

Ambry Genetics
Classification: Likely benign for Inborn genetic diseases. Last evaluated: 2019-05-12. Review status: criteria provided, single submitter. Criteria: Ambry Variant Classification Scheme 2023. Collection method: clinical testing. Allele origin: germline.